The following is an entry in ClinVar:

ClinVar aggregate classification (germline): Uncertain significance. Review status: criteria provided, multiple submitters, no conflicts (2 of 4 stars). 2 submissions from 2 submitters: Uncertain significance (2). Last evaluated 2025-11-03.

Allele frequency attached by ClinVar (database versions not stated): gnomAD 0.00001.
gnomAD v4.1: 40 of 1,614,058 alleles (0.0025%); highest among the groups gnomAD compares: Non-Finnish European, 0.0031%; no homozygotes.

Submissions (2):

Labcorp Genetics (formerly Invitae), Labcorp
Classification: Uncertain significance. Last evaluated: 2025-11-03. Review status: criteria provided, single submitter. Criteria: Invitae Variant Classification Sherloc (09022015). Collection method: clinical testing. Allele origin: germline.
Comment: This sequence change replaces serine, which is neutral and polar, with threonine, which is neutral and polar, at codon 77 of the BACH2 protein (p.Ser77Thr). This variant is present in population databases (no rsID available, gnomAD 0.009%). This variant has not been reported in the literature in individuals affected with BACH2-related conditions. ClinVar contains an entry for this variant (Variation ID: 2970277). Invitae Evidence Modeling of protein sequence and biophysical properties (such as structural, functional, and spatial information, amino acid conservation, physicochemical variation, residue mobility, and thermodynamic stability) indicates that this missense variant is not expected to disrupt BACH2 protein function with a negative predictive value of 80%. In summary, the available evidence is currently insufficient to determine the role of this variant in disease. Therefore, it has been classified as a Variant of Uncertain Significance.

Ambry Genetics
Classification: Uncertain significance. Last evaluated: 2023-12-16. Review status: criteria provided, single submitter. Criteria: Ambry Variant Classification Scheme 2023. Collection method: clinical testing. Allele origin: germline.

NM_021813.4(BACH2):c.230G>C (p.Ser77Thr)

Gene: BACH2 (BACH transcriptional regulator 2; minus strand). Cytogenetic location: 6q15.
Variant type: single nucleotide variant.
Coding change: c.230G>C on transcript NM_021813.4 (MANE Select); coding-DNA position 230, G replaced by C.
Protein change: p.Ser77Thr; replaces serine 77 with threonine.
Molecular consequence: missense variant.
Genome position (GRCh38, 1-based): chr6:90,008,615, C>G on the plus strand (G>C on the coding strand, the complement: BACH2 is on the minus strand). VCF-style: chr6-90008615-C-G. GRCh37 (hg19) VCF-style: chr6-90718334-C-G.
Other names: c.230G>C (NM_021813.2); c.230G>C, p.Ser77Thr (NM_001170794.2); short protein forms S77T.
Identifiers: ClinVar variation 2970277 (VCV002970277.4), dbSNP rs1302804378, ClinGen allele CA365068942.